The following is an entry in ClinVar:

ClinVar aggregate classification (germline): Likely benign. Review status: criteria provided, multiple submitters, no conflicts (2 of 4 stars). 3 submissions from 3 submitters: Likely benign (3). Last evaluated 2025-07-31.

Conditions:
CNGB1-related disorder. Also called: CNGB1-related condition.

gnomAD v4.1: 41 of 1,613,366 alleles (0.0025%); highest among the groups gnomAD compares: Admixed American, 0.042%; no homozygotes.

Submissions (3):

Labcorp Genetics (formerly Invitae), Labcorp
Classification: Likely benign. Last evaluated: 2025-07-31. Review status: criteria provided, single submitter. Criteria: Invitae Variant Classification Sherloc (09022015). Collection method: clinical testing. Allele origin: germline.

PreventionGenetics, part of Exact Sciences
Classification: Likely benign for CNGB1-related condition. Last evaluated: 2025-07-31. Review status: criteria provided, single submitter. Criteria: ACMG Guidelines, 2015. Collection method: clinical testing. Allele origin: germline.
Comment: This variant is classified as likely benign based on ACMG/AMP sequence variant interpretation guidelines (Richards et al. 2015 PMID: 25741868, with internal and published modifications).

Blueprint Genetics
Classification: Likely benign. Last evaluated: 2021-09-10. Review status: criteria provided, single submitter. Criteria: ACMG Guidelines, 2015. Collection method: clinical testing. Allele origin: germline.

NM_001297.5(CNGB1):c.2373C>A (p.Val791=)

Gene: CNGB1 (cyclic nucleotide gated channel subunit beta 1; minus strand). Cytogenetic location: 16q21.
Variant type: single nucleotide variant.
Coding change: c.2373C>A on transcript NM_001297.5 (MANE Select); coding-DNA position 2373, C replaced by A.
Protein change: p.Val791=; no amino-acid change (valine 791 retained).
Molecular consequence: synonymous variant.
Genome position (GRCh38, 1-based): chr16:57,911,872, G>T on the plus strand (C>A on the coding strand, the complement: CNGB1 is on the minus strand). VCF-style: chr16-57911872-G-T. GRCh37 (hg19) VCF-style: chr16-57945776-G-T.
Other names: c.2355C>A, p.Val785= (NM_001286130.2); c.2373C>A (NM_001297.4).
Identifiers: ClinVar variation 1105291 (VCV001105291.11), dbSNP rs377762874, ClinGen allele CA8083015.